The following is an entry in ClinVar:

ClinVar aggregate classification (germline): Conflicting classifications of pathogenicity. Review status: criteria provided, conflicting classifications (1 of 4 stars). 10 submissions from 10 submitters: Pathogenic (1); Likely pathogenic (1); Uncertain significance (4); Benign (1); Likely benign (2). 1 of the submissions does not count toward it. Last evaluated 2026-02-09.

Conditions:
Hereditary pancreatitis (PCTT). Also called: PRSS1-Related Hereditary Pancreatitis; Hereditary chronic pancreatitis. Identifiers: Orphanet 676, MedGen C0238339, MONDO:0008185, OMIM 167800.

Allele frequency attached by ClinVar (database versions not stated): gnomAD exomes 0.00020 and 0.00072; ExAC 0.00069; 1000 Genomes Project 30x 0.00187; 1000 Genomes Project 0.00240; gnomAD 0.00024 and 0.00035; TOPMed 0.00034.
gnomAD v4.1: 354 of 1,614,144 alleles (0.022%); highest among the groups gnomAD compares: East Asian, 0.7%; 3 homozygotes.

Submissions (10):

Women's Health and Genetics/Laboratory Corporation of America, LabCorp
Classification: Likely benign. Last evaluated: 2026-02-09. Review status: criteria provided, single submitter. Criteria: LabCorp Variant Classification Summary - May 2015. Collection method: clinical testing. Allele origin: germline.
Comment: Variant summary: PRSS1 c.623G>C (p.Gly208Ala) results in a non-conservative amino acid change in the encoded protein sequence. Algorithms developed to predict the effect of missense changes on protein structure and function are either unavailable or do not agree on the potential impact of this missense change. The variant allele was found at a frequency of 0.00022 in 1614144 control chromosomes, predominantly at a frequency of 0.007 within the East Asian subpopulation in the gnomAD database (v4), including 3 homozygotes. The observed variant frequency within East Asian control individuals in the gnomAD database exceeds the estimated maximal expected allele frequency for disease-causing variants in PRSS1. c.623G>C has been observed in individual(s) affected with Chronic Pancreatitis Risk, frequently with variants in other pancreatitis-associated genes (e.g. Keiles_2006, Lee_2015, Masamune_2014, Saito_2016). This variant is also reported in asymptomatic individuals (e.g. Zou_2018). These report(s) do not provide unequivocal conclusions about association of the variant with Chronic Pancreatitis Risk. At least one publication reports experimental evidence evaluating an impact on protein function. The results show normal autoactivation with a moderate decrease in secretion (Schnur_2014). The following publications have been ascertained in the context of this evaluation (PMID: 17003641, 24780743, 23686146, 27409067, 23455445, 30420730). ClinVar contains an entry for this variant (Variation ID: 258802). Based on the evidence outlined above, the variant was classified as likely benign.

Labcorp Genetics (formerly Invitae), Labcorp
Classification: Benign for Hereditary pancreatitis. Last evaluated: 2026-01-28. Review status: criteria provided, single submitter. Criteria: Invitae Variant Classification Sherloc (09022015). Collection method: clinical testing. Allele origin: germline.

Center for Genomic Medicine, Rigshospitalet, Copenhagen University Hospital
Classification: Uncertain significance. Last evaluated: 2025-12-29. Review status: criteria provided, single submitter. Criteria: ACMG Guidelines, 2015. Collection method: clinical testing. Allele origin: germline.

Ambry Genetics
Classification: Likely pathogenic for Hereditary pancreatitis. Last evaluated: 2025-06-18. Review status: criteria provided, single submitter. Criteria: Ambry Variant Classification Scheme 2023. Collection method: clinical testing. Allele origin: germline.
Comment: The p.G208A variant (also known as c.623G>C), located in coding exon 5 of the PRSS1 gene, results from a G to C substitution at nucleotide position 623. The glycine at codon 208 is replaced by alanine, an amino acid with similar properties. This alteration has been reported in multiple individuals diagnosed with pancreatitis, often with variants in other pancreatitis-associated genes (Hegyi E et al. JOP, 2014 Jan;15:49-52; Lee YJ et al. Gut, 2015 Feb;64:359-60; Cho SM et al. Ann Lab Med, 2016 Nov;36:555-60; Saito N et al. J Pediatr Gastroenterol Nutr, 2016 10;63:431-6). The variant was also significantly associated with idiopathic chronic pancreatitis in Japanese and Chinese cohorts (Masamune A et al. Gut, 2014 Feb;63:366; Zou WB et al. Clin Transl Gastroenterol, 2018 11;9:204). In one functional study, this alteration retained normal trypsin activity; however, it also resulted in reduced trypsinogen secretion (Schn&uacute;r A et al. Gut, 2014 Feb;63:337-43), which may be consistent with an alternate mechanism of disease pathogenesis. This amino acid position is well conserved in available vertebrate species. Based on the majority of available evidence to date, this variant is likely to be pathogenic; however, disease penetrance is expected to be variable.

Blueprint Genetics
Classification: Uncertain significance. Last evaluated: 2024-10-03. Review status: criteria provided, single submitter. Criteria: ACMG Guidelines, 2015. Collection method: clinical testing. Allele origin: germline.

ARUP Laboratories, Molecular Genetics and Genomics, ARUP Laboratories
Classification: Uncertain significance for Hereditary pancreatitis. Last evaluated: 2023-06-29. Review status: criteria provided, single submitter. Criteria: ARUP Molecular Germline Variant Investigation Process 2024. Collection method: clinical testing. Allele origin: germline.
Comment: The PRSS1 c.623G>C; p.Gly208Ala variant (rs189270875) is reported in the literature in multiple individuals affected with pancreatitis, some of whom carry additional pathogenic variants in the CFTR or SPINK1 genes (Cho 2016, Hegyi 2014, Keiles 2006, Lee 2015, Masamune 2014, Saito 2016, Xiao 2017, Zou 2018). However, this variant has also been reported in asymptomatic individuals (Hegyi 2014, Zou 2018). This variant is reported in ClinVar (Variation ID: 258802), and is found in the East Asian population with an allele frequency of 0.99% (197/19954 alleles) in the Genome Aggregation Database. Computational analyses are uncertain whether this variant is neutral or deleterious (REVEL: 0.368). Functional analyses of the variant protein show normal autoactivation but a moderate reduction in secretion (Schnur 2014), which has been shown to cause ER stress and increase the risk of pancreatitis for other PRSS1 variants (Sahin-Toth 2017). While the increased prevalence in pancreatitis patients suggests that this variant may increase the risk for pancreatitis, due to conflicting information, the clinical significance of the p.Gly208Ala variant is uncertain at this time. References: Cho SM et al. PRSS1, SPINK1, CFTR, and CTRC Pathogenic Variants in Korean Patients With Idiopathic Pancreatitis. Ann Lab Med. 2016 Nov;36(6):555-60. PMID: 27578509. Hegyi E et al. Chronic pancreatitis associated with the p.G208A variant of PRSS1 gene in a European patient. JOP. 2014 Jan 10;15(1):49-52. PMID: 24413785. Keiles S and Kammesheidt A. Identification of CFTR, PRSS1, and SPINK1 mutations in 381 patients with pancreatitis. Pancreas. 2006 Oct;33(3):221-7. PMID: 17003641. Lee YJ et al. The PRSS1 c.623G>C (p.G208A) mutation is the most common PRSS1 mutation in Korean children with hereditary pancreatitis. Gut. 2015 Feb;64(2):359-60. PMID: 24780743. Masamune A et al. PRSS1 c.623G>C (p.G208A) variant is associated with pancreatitis in Japan. Gut. 2014 Feb;63(2):366. PMID: 23686146. Sahin-Toth M et al. Genetic risk in chronic pancreatitis: the misfolding-dependent pathway. Curr Opin Gastroenterol. 2017 Sep;33(5):390-395. PMID: 28650851. Saito N et al. Genetic Analysis of Japanese Children With Acute Recurrent and Chronic Pancreatitis. J Pediatr Gastroenterol Nutr. 2016 Oct;63(4):431-6. PMID: 27409067. Schnur A et al. Functional effects of 13 rare PRSS1 variants presumed to cause chronic pancreatitis. Gut. 2014 Feb;63(2):337-43. PMID: 23455445. Xiao Y et al. Targeted Gene Next-Generation Sequencing in Chinese Children with Chronic Pancreatitis and Acute Recurrent Pancreatitis. J Pediatr. 2017 Dec;191:158-163.e3. PMID: 29173301. Zou WB et al. SPINK1, PRSS1, CTRC, and CFTR Genotypes Influence Disease Onset and Clinical Outcomes in Chronic Pancreatitis. Clin Transl Gastroenterol. 2018 Nov 12;9(11):204. PMID: 30420730.

Department of Pathology and Laboratory Medicine, Sinai Health System
Classification: Uncertain significance for Hereditary pancreatitis. Last evaluated: 2023-02-06. Review status: criteria provided, single submitter. Criteria: ACMG Guidelines, 2015. Collection method: research. Allele origin: germline.

Laboratory for Molecular Medicine, Mass General Brigham Personalized Medicine
Classification: Pathogenic for Hereditary pancreatitis. Last evaluated: 2016-04-13. Review status: criteria provided, single submitter. Criteria: LMM Criteria. Collection method: clinical testing. Allele origin: germline. Inheritance: Autosomal dominant inheritance. Observed: 1 variant allele.
Comment: proposed classification - variant undergoing re-assessment, contact laboratory

PreventionGenetics, part of Exact Sciences
Classification: Likely benign. Review status: criteria provided, single submitter. Criteria: ACMG Guidelines, 2015. Collection method: clinical testing. Allele origin: germline.

Zotz-Klimas Genetics Lab, MVZ Zotz Klimas
Classification: Uncertain significance for Hereditary pancreatitis. Last evaluated: 2023-10-30. Review status: no assertion criteria provided. Collection method: clinical testing. Allele origin: germline. Affected: yes. Not counted in ClinVar's aggregate classification.

Literature cited by the submitters: PubMed 17003641 (cited by Women's Health and Genetics/Laboratory Corporation of America, LabCorp and Laboratory for Molecular Medicine, Mass General Brigham Personalized Medicine); PubMed 23455445 (cited by 4 submitters); PubMed 30420730 (cited by Women's Health and Genetics/Laboratory Corporation of America, LabCorp and Ambry Genetics); PubMed 24780743 (cited by 4 submitters); PubMed 23686146 (cited by 3 submitters); PubMed 27409067 (cited by Women's Health and Genetics/Laboratory Corporation of America, LabCorp and Ambry Genetics); PubMed 24413785 (cited by 3 submitters); PubMed 21415673 (cited by Ambry Genetics and Laboratory for Molecular Medicine, Mass General Brigham Personalized Medicine); PubMed 27578509 (cited by Ambry Genetics).

NM_002769.5(PRSS1):c.623G>C (p.Gly208Ala)

Genes: PRSS1 (serine protease 1; plus strand), TRB (T cell receptor beta locus; plus strand). Cytogenetic location: 7q34.
Variant type: single nucleotide variant.
Coding change: c.623G>C on transcript NM_002769.5 (MANE Select); coding-DNA position 623, G replaced by C.
Protein change: p.Gly208Ala; replaces glycine 208 with alanine.
Molecular consequence: missense variant.
Genome position (GRCh38, 1-based): chr7:142,752,899, G>C. VCF-style: chr7-142752899-G-C. GRCh37 (hg19) VCF-style: chr7-142460750-G-C.
Other names: short protein forms G208A.
Identifiers: ClinVar variation 258802 (VCV000258802.37), dbSNP rs189270875, ClinGen allele CA4530125.
Genomic context (GRCh38, chr7:142,752,899, plus strand): 5'-CCATACAACTTGTCCCTTCTTCCCCCCAGGGTGATTCTGGTGGCCCTGTGGTCTGCAATG[G>C]ACAGCTCCAAGGAGTTGTCTCCTGGGGTGATGGCTGTGCCCAGAAGAACAAGCCTGGAGT-3'
Protein context (NP_002760.1, residues 198-218): GDSGGPVVCN[Gly208Ala]QLQGVVSWGD